The following is an entry in ClinVar:

ClinVar aggregate classification (germline): Pathogenic/Likely pathogenic. Review status: criteria provided, multiple submitters, no conflicts (2 of 4 stars). 6 submissions from 6 submitters: Pathogenic (5); Likely pathogenic (1). Last evaluated 2025-03-04.

Conditions:
Familial cancer of breast. Also called: BREAST CANCER, FAMILIAL; Hereditary breast cancer; hereditary breast carcinoma. Identifiers: Orphanet 227535, MedGen C0346153, MONDO:0016419, OMIM 114480. Disease mechanism: loss of function.
Hereditary cancer-predisposing syndrome. Also called: Tumor predisposition; Hereditary Cancer Syndrome; Hereditary neoplastic syndrome; Neoplastic Syndromes, Hereditary. Identifiers: Orphanet 140162, MedGen C0027672, MeSH D009386, MONDO:0015356.

Allele frequency attached by ClinVar (database versions not stated): gnomAD exomes below 0.00001; ExAC 0.00001.

Submissions (6):

Center for Genomic Medicine, Rigshospitalet, Copenhagen University Hospital
Classification: Pathogenic. Last evaluated: 2025-03-04. Review status: criteria provided, single submitter. Criteria: ACMG Guidelines, 2015. Collection method: clinical testing. Allele origin: germline.

Labcorp Genetics (formerly Invitae), Labcorp
Classification: Pathogenic for Familial cancer of breast. Last evaluated: 2024-04-04. Review status: criteria provided, single submitter. Criteria: Invitae Variant Classification Sherloc (09022015). Collection method: clinical testing. Allele origin: germline.
Comment: This sequence change creates a premature translational stop signal (p.Glu275Lysfs*3) in the CHEK2 gene. It is expected to result in an absent or disrupted protein product. Loss-of-function variants in CHEK2 are known to be pathogenic (PMID: 21876083, 24713400). The frequency data for this variant in the population databases is considered unreliable, as metrics indicate poor data quality at this position in the gnomAD database. This variant has not been reported in the literature in individuals affected with CHEK2-related conditions. ClinVar contains an entry for this variant (Variation ID: 410070). Algorithms developed to predict the effect of sequence changes on RNA splicing suggest that this variant may disrupt the consensus splice site. For these reasons, this variant has been classified as Pathogenic.

Myriad Genetics, Inc.
Classification: Pathogenic for Familial cancer of breast. Last evaluated: 2023-06-27. Review status: criteria provided, single submitter. Criteria: Myriad Autosomal Dominant, Autosomal Recessive and X-Linked Classification Criteria (2023). Collection method: clinical testing. Allele origin: unknown.
Comment: This variant is considered pathogenic. This variant creates a frameshift predicted to result in premature protein truncation.

Clinical Genetics Laboratory, Skane University Hospital Lund
Classification: Pathogenic. Last evaluated: 2023-01-09. Review status: criteria provided, single submitter. Criteria: ACMG Guidelines, 2015. Collection method: clinical testing. Allele origin: germline. Affected: yes.

Baylor Genetics
Classification: Likely pathogenic for Familial cancer of breast. Last evaluated: 2022-10-10. Review status: criteria provided, single submitter. Criteria: ACMG Guidelines, 2015. Collection method: clinical testing. Allele origin: unknown.

Ambry Genetics
Classification: Pathogenic for Hereditary cancer-predisposing syndrome. Last evaluated: 2019-08-28. Review status: criteria provided, single submitter. Criteria: Ambry Variant Classification Scheme 2023. Collection method: clinical testing. Allele origin: germline.
Comment: The c.823delG pathogenic mutation, located in coding exon 6 of the CHEK2 gene, results from a deletion of one nucleotide at nucleotide position 823, causing a translational frameshift with a predicted alternate stop codon (p.E275Kfs*3). In addition to the data presented in the literature, this alteration is expected to result in loss of function by premature protein truncation or nonsense-mediated mRNA decay. As such, this alteration is interpreted as a disease-causing mutation.

Literature cited by the submitters: PubMed 21876083 (cited by Labcorp Genetics (formerly Invitae), Labcorp); PubMed 24713400 (cited by Labcorp Genetics (formerly Invitae), Labcorp); PubMed 29922827 (cited by Ambry Genetics).

NM_007194.4(CHEK2):c.823del (p.Glu275fs)

Gene: CHEK2 (checkpoint kinase 2; minus strand). Cytogenetic location: 22q12.1.
Variant type: Deletion.
Coding change: c.823del on transcript NM_007194.4 (MANE Select); coding-DNA position 823, one base deleted (G; older notation c.823delG).
Protein change: p.Glu275fs; shifts the reading frame from glutamic acid 275.
Molecular consequence: frameshift variant.
Genome position (GRCh38, 1-based): chr22:28,710,029, C deleted on the plus strand (G on the coding strand, the reverse complement: CHEK2 is on the minus strand). VCF-style (leftmost placement, unchanged base first): chr22-28710028-TC-T. GRCh37 (hg19) VCF-style: chr22-29106016-TC-T.
Other names: c.823del (NM_007194.3); c.823delG (NM_007194.4); c.952delG, p.Glu318Lysfs (NM_001005735.3); c.160delG, p.Glu54Lysfs (NM_001257387.3); c.622delG, p.Glu208Lysfs (NM_001349956.3); c.823delG, p.Glu275Lysfs (NM_145862.3); short protein forms E275fs, E54fs, E318fs, E208fs.
Identifiers: ClinVar variation 410070 (VCV000410070.19), dbSNP rs769430546, ClinGen allele CA10167852.
Genomic context (GRCh38, chr22:28,710,028, plus strand): 5'-TAGATAAATCTAAGTATGAGTCATATAATAATACTTACATGATTTAGCTTTTTCAAAATT[TC>T]TATTTCTGTTTCAACATTGAGAGCTGGGTCCTTTGATAAACAGAATAACAGAGTTTATTA-3'